The following is an entry in ClinVar:

NM_001042492.3(NF1):c.7807_7811del (p.Val2603fs)

Gene: NF1 (neurofibromin 1; plus strand). Cytogenetic location: 17q11.2.
Variant type: Deletion.
Coding change: c.7807_7811del on transcript NM_001042492.3 (MANE Select); coding-DNA positions 7807 to 7811, 5 bases deleted (GTTCT; older notation c.7807_7811delGTTCT).
Protein change: p.Val2603fs; shifts the reading frame from valine 2603.
Molecular consequence: frameshift variant.
Genome position (GRCh38, 1-based): chr17:31,357,028-31,357,032, GTTCT deleted; deleting any 5 consecutive bases within chr17:31,357,027-31,357,032 gives the same sequence; the c. name uses the placement nearest the transcript's 3' end. VCF-style (leftmost placement, unchanged base first): chr17-31357026-ATGTTC-A. GRCh37 (hg19) VCF-style: chr17-29684044-ATGTTC-A.
Other names: c.7744_7748delGTTCT, p.Val2582Leufs (NM_000267.4); short protein forms V2582fs, V2603fs.
Identifiers: ClinVar variation 2824536 (VCV002824536.3), dbSNP rs2508827554, ClinGen allele CA2739267291.
Genomic context (GRCh38, chr17:31,357,026, plus strand): 5'-AGAGGATTTCCTCATCACAACAGCACCCACATTTACGTAAAGTTTCAGTGTCTGAATCAA[ATGTTC>A]TCTTGGATGAAGAAGTACTTACTGATCCGAAGATCCAGGCGCTGCTTCTTACTGTTCTAG-3'

ClinVar aggregate classification (germline): Pathogenic (1 of 4 stars; one submission).

Conditions:
Neurofibromatosis, type 1 (NF1). Also called: VON RECKLINGHAUSEN DISEASE; Peripheral type neurofibromatosis; Neurofibromatosis, type I; NEUROFIBROMATOSIS, TYPE I, SOMATIC. Identifiers: Orphanet 636, MedGen C0027831, MONDO:0018975, OMIM 162200. Disease mechanism: loss of function.

Submission:

Labcorp Genetics (formerly Invitae), Labcorp
Classification: Pathogenic for Neurofibromatosis, type 1. Last evaluated: 2022-12-27. Review status: criteria provided, single submitter. Criteria: Invitae Variant Classification Sherloc (09022015). Collection method: clinical testing. Allele origin: germline.
Comment: For these reasons, this variant has been classified as Pathogenic. This sequence change creates a premature translational stop signal (p.Val2582Leufs*3) in the NF1 gene. It is expected to result in an absent or disrupted protein product. Loss-of-function variants in NF1 are known to be pathogenic (PMID: 10712197, 23913538). This variant is not present in population databases (gnomAD no frequency). This variant has not been reported in the literature in individuals affected with NF1-related conditions.

Literature cited by the submitters: PubMed 10712197; PubMed 23913538.